The following is an entry in ClinVar:

NM_001211.6(BUB1B):c.2779C>G (p.Leu927Val)

Genes: BUB1B (BUB1 mitotic checkpoint serine/threonine kinase B; plus strand), BUB1B-PAK6 (BUB1B-PAK6 readthrough; plus strand). Cytogenetic location: 15q15.1.
Variant type: single nucleotide variant.
Coding change: c.2779C>G on transcript NM_001211.6 (MANE Select); coding-DNA position 2779, C replaced by G.
Protein change: p.Leu927Val; replaces leucine 927 with valine.
Molecular consequence: missense variant. On other transcripts: 5 prime UTR variant (2).
Genome position (GRCh38, 1-based): chr15:40,217,596, C>G. VCF-style: chr15-40217596-C-G. GRCh37 (hg19) VCF-style: chr15-40509797-C-G.
Other names: c.-272C>G (NM_001128628.3); c.-189C>G (NM_001128629.3); short protein forms L927V.
Identifiers: ClinVar variation 1795882 (VCV001795882.2), dbSNP rs2542584899, ClinGen allele CA391687942.

ClinVar aggregate classification (germline): Uncertain significance (1 of 4 stars; one submission).

Conditions:
Inborn genetic diseases. Identifiers: MedGen C0950123, MeSH D030342.

Submission:

Ambry Genetics
Classification: Uncertain significance for Inborn genetic diseases. Last evaluated: 2022-07-15. Review status: criteria provided, single submitter. Criteria: Ambry Variant Classification Scheme 2023. Collection method: clinical testing. Allele origin: germline.
Comment: The p.L927V variant (also known as c.2779C>G), located in coding exon 21 of the BUB1B gene, results from a C to G substitution at nucleotide position 2779. The leucine at codon 927 is replaced by valine, an amino acid with highly similar properties. This amino acid position is conserved. In addition, this alteration is predicted to be tolerated by in silico analysis. Since supporting evidence is limited at this time, the clinical significance of this alteration remains unclear.